The following is an entry in ClinVar:

ClinVar aggregate classification (germline): Pathogenic (1 of 4 stars; one submission).

Allele frequency attached by ClinVar (database versions not stated): gnomAD exomes below 0.00001 and 0.00001; TOPMed below 0.00001.
gnomAD v4.1: 4 of 1,613,926 alleles (0.00025%); highest among the groups gnomAD compares: Non-Finnish European, 0.00034%; no homozygotes.

Submission:

Labcorp Genetics (formerly Invitae), Labcorp
Classification: Pathogenic. Last evaluated: 2022-06-20. Review status: criteria provided, single submitter. Criteria: Invitae Variant Classification Sherloc (09022015). Collection method: clinical testing. Allele origin: germline.
Comment: For these reasons, this variant has been classified as Pathogenic. Algorithms developed to predict the effect of sequence changes on RNA splicing suggest that this variant may disrupt the consensus splice site. ClinVar contains an entry for this variant (Variation ID: 936156). Disruption of this splice site has been observed in individuals with retinitis pigmentosa (Invitae). This variant is not present in population databases (gnomAD no frequency). This sequence change affects an acceptor splice site in intron 2 of the REEP6 gene. It is expected to disrupt RNA splicing. Variants that disrupt the donor or acceptor splice site typically lead to a loss of protein function (PMID: 16199547), and loss-of-function variants in REEP6 are known to be pathogenic (PMID: 27889058, 29120066).

Literature cited by the submitters: PubMed 16199547; PubMed 27889058; PubMed 29120066.

NM_138393.4(REEP6):c.210-2A>G

Gene: REEP6 (receptor accessory protein 6; plus strand). Cytogenetic location: 19p13.3.
Variant type: single nucleotide variant.
Coding change: c.210-2A>G on transcript NM_138393.4 (MANE Select); the canonical splice acceptor site of the intron before coding-DNA position 210, A replaced by G.
Molecular consequence: splice acceptor variant.
Genome position (GRCh38, 1-based): chr19:1,495,467, A>G. VCF-style: chr19-1495467-A-G. GRCh37 (hg19) VCF-style: chr19-1495466-A-G.
Other names: c.210-2A>G (NM_001329556.3).
Identifiers: ClinVar variation 936156 (VCV000936156.10), dbSNP rs113514722, ClinGen allele CA403056552.
Genomic context (GRCh38, chr19:1,495,467, plus strand): 5'-CCCACGCGGGGGGTTCTGGGGGCTCCCTGGCAGCCCCTGACCCTGCTGCACCCTCCCTGC[A>G]GAATCAAAGCTATCGAGAGCCCAAGCAAGGACGACGACACTGTGTGGCTCACCTACTGGG-3'